The following is an entry in ClinVar:

NM_025137.4(SPG11):c.1697_1710delinsTCATCCCAT (p.Asp566fs)

Gene: SPG11 (SPG11 vesicle trafficking associated, spatacsin; minus strand). Cytogenetic location: 15q21.1.
Variant type: Indel.
Coding change: c.1697_1710delinsTCATCCCAT on transcript NM_025137.4 (MANE Select); coding-DNA positions 1697 to 1710, ATCAGTTTGATCAC replaced by TCATCCCAT.
Protein change: p.Asp566fs; shifts the reading frame from aspartic acid 566.
Molecular consequence: frameshift variant.
Genome position (GRCh38, 1-based): chr15:44,633,530-44,633,543, GTGATCAAACTGAT replaced by ATGGGATGA on the plus strand (ATCAGTTTGATCAC replaced by TCATCCCAT on the coding strand, the reverse complement: SPG11 is on the minus strand). VCF-style: chr15-44633530-GTGATCAAACTGAT-ATGGGATGA. GRCh37 (hg19) VCF-style: chr15-44925728-GTGATCAAACTGAT-ATGGGATGA.
Other names: c.1697_1710delinsTCATCCCAT, p.Asp566fs (NM_001160227.2); c.1697_1710delATCAGTTTGATCACinsTCATCCCAT, p.Asp566Valfs (NM_001411132.1); short protein forms D566fs.
Identifiers: ClinVar variation 2081465 (VCV002081465.4), dbSNP rs2505628295, ClinGen allele CA2580089459.

ClinVar aggregate classification (germline): Pathogenic (1 of 4 stars; one submission).

Conditions:
Hereditary spastic paraplegia 11. Also called: Nakamura Osame syndrome; Autosomal recessive hereditary spastic paraplegia, mental impairment, and thin corpus callosum; SPASTIC PARAPLEGIA, AUTOSOMAL RECESSIVE, COMPLICATED, WITH THIN CORPUS CALLOSUM; SPASTIC PARAPLEGIA, AUTOSOMAL RECESSIVE, WITH MENTAL IMPAIRMENT AND THIN CORPUS CALLOSUM; Spastic Paraplegia 11; Spastic paraplegia, mental retardation and thin corpus callosum. Identifiers: Orphanet 2822, MedGen C1858479, MONDO:0011445, OMIM 604360.

Submission:

Labcorp Genetics (formerly Invitae), Labcorp
Classification: Pathogenic for Hereditary spastic paraplegia 11. Last evaluated: 2022-01-12. Review status: criteria provided, single submitter. Criteria: Invitae Variant Classification Sherloc (09022015). Collection method: clinical testing. Allele origin: germline.
Comment: This sequence change creates a premature translational stop signal (p.Asp566Valfs*28) in the SPG11 gene. It is expected to result in an absent or disrupted protein product. Loss-of-function variants in SPG11 are known to be pathogenic (PMID: 19105190, 20110243, 22154821, 26556829). This variant is not present in population databases (gnomAD no frequency). This variant has not been reported in the literature in individuals affected with SPG11-related conditions. For these reasons, this variant has been classified as Pathogenic.

Literature cited by the submitters: PubMed 19105190; PubMed 20110243; PubMed 22154821; PubMed 26556829.